The following is an entry in ClinVar:

NM_018075.5(ANO10):c.1066A>G (p.Ser356Gly)

Gene: ANO10 (anoctamin 10; minus strand). Cytogenetic location: 3p22.1.
Variant type: single nucleotide variant.
Coding change: c.1066A>G on transcript NM_018075.5 (MANE Select); coding-DNA position 1066, A replaced by G.
Protein change: p.Ser356Gly; replaces serine 356 with glycine.
Molecular consequence: missense variant. On other transcripts: intron variant (1).
Genome position (GRCh38, 1-based): chr3:43,576,788, T>C on the plus strand (A>G on the coding strand, the complement: ANO10 is on the minus strand). VCF-style: chr3-43576788-T-C. GRCh37 (hg19) VCF-style: chr3-43618280-T-C.
Other names: p.Ser356Gly; c.1066A>G, p.Ser356Gly (NM_001204831.3, NM_001346463.2, NM_001346464.2 and 3 more transcripts); c.868A>G, p.Ser290Gly (NM_001204832.3, NM_001346466.2, NM_001346469.2); c.733A>G, p.Ser245Gly (NM_001204833.3); c.593-1924A>G (NM_001204834.3); short protein forms S356G, S245G, S290G.
Identifiers: ClinVar variation 128386 (VCV000128386.23), dbSNP rs56389778, ClinGen allele CA151821.
Genomic context (GRCh38, chr3:43,576,788, plus strand): 5'-GACGATTCATGATCTCAATCACAATGGCATAGATGATGCTGGGCACATACAACAGGACAC[T>C]GGTCCACTCAGACCCGCTGTTCTCATGTAGACCCAAGGCCCAAACCTCCATGTCGAAGTA-3'
Protein context (NP_060545.3, residues 346-366): LHENSGSEWT[Ser356Gly]VLLYVPSIIY

ClinVar aggregate classification (germline): Benign. Review status: criteria provided, multiple submitters, no conflicts (2 of 4 stars). 11 submissions from 11 submitters: Benign (8). 3 of the submissions do not count toward it. Last evaluated 2026-02-04.

Conditions:
Autosomal recessive spinocerebellar ataxia 10. Identifiers: Orphanet 284289, MedGen C3150998, MONDO:0013392, OMIM 613728.

Allele frequency attached by ClinVar (database versions not stated): 1000 Genomes Project 0.04872; gnomAD exomes 0.04899 and 0.05633; 1000 Genomes Project 30x 0.04997; ExAC 0.05077; gnomAD 0.05669 and 0.05750; TOPMed 0.05677; ESP Exome Variant Server 0.06797.
gnomAD v4.1: 90,897 of 1,614,070 alleles (5.6%); highest among the groups gnomAD compares: African/African-American, 6.9%; 2,812 homozygotes.

Submissions (11):

Labcorp Genetics (formerly Invitae), Labcorp
Classification: Benign. Last evaluated: 2026-02-04. Review status: criteria provided, single submitter. Criteria: Invitae Variant Classification Sherloc (09022015). Collection method: clinical testing. Allele origin: germline.

Mayo Clinic Laboratories, Mayo Clinic
Classification: Benign. Last evaluated: 2022-03-24. Review status: criteria provided, single submitter. Criteria: ACMG Guidelines, 2015. Collection method: clinical testing. Allele origin: germline. Observed: 44 variant alleles.

Genome-Nilou Lab
Classification: Benign for Autosomal recessive spinocerebellar ataxia 10. Last evaluated: 2021-07-14. Review status: criteria provided, single submitter. Criteria: ACMG Guidelines, 2015. Collection method: clinical testing. Allele origin: germline. Affected: no.

GeneDx
Classification: Benign. Last evaluated: 2021-05-04. Review status: criteria provided, single submitter. Criteria: GeneDx Variant Classification Process June 2021. Collection method: clinical testing. Allele origin: germline. Affected: yes.

Athena Diagnostics
Classification: Benign. Last evaluated: 2019-07-23. Review status: criteria provided, single submitter. Criteria: Athena Diagnostics Criteria. Collection method: clinical testing. Allele origin: germline.

Illumina Laboratory Services, Illumina
Classification: Benign for Autosomal recessive spinocerebellar ataxia 10. Last evaluated: 2018-01-13. Review status: criteria provided, single submitter. Criteria: ICSL Variant Classification Criteria 13 December 2019. Collection method: clinical testing. Allele origin: germline.
Comment: This variant was observed in the ICSL laboratory as part of a predisposition screen in an ostensibly healthy population. It had not been previously curated by ICSL or reported in the Human Gene Mutation Database (HGMD: prior to June 1st, 2018), and was therefore a candidate for classification through an automated scoring system. Utilizing variant allele frequency, disease prevalence and penetrance estimates, and inheritance mode, an automated score was calculated to assess if this variant is too frequent to cause the disease. Based on the score and internal cut-off values, a variant classified as benign is not then subjected to further curation. The score for this variant resulted in a classification of benign for this disease.

Clinical Genetics DNA and cytogenetics Diagnostics Lab, Erasmus MC, Erasmus Medical Center
Classification: Benign for Autosomal recessive spinocerebellar ataxia 10. Last evaluated: 2015-09-21. Review status: criteria provided, single submitter. Criteria: ACGS Guidelines, 2013. Collection method: clinical testing. Allele origin: germline. Affected: yes. Study: VKGL Data-share Consensus.

Breakthrough Genomics
Classification: Benign. Review status: criteria provided, single submitter. Criteria: ACMG Guidelines, 2015. Collection method: not provided. Allele origin: germline. Inheritance: Autosomal recessive inheritance. Affected: yes.

Diagnostic Laboratory, Department of Genetics, University Medical Center Groningen
Classification: Benign for Autosomal recessive spinocerebellar ataxia 10. Review status: no assertion criteria provided. Collection method: clinical testing. Allele origin: germline. Affected: yes. Study: VKGL Data-share Consensus. Not counted in ClinVar's aggregate classification.

Genetic Services Laboratory, University of Chicago
Classification: Likely benign for AllHighlyPenetrant. Review status: no assertion criteria provided. Collection method: clinical testing. Allele origin: germline. Inheritance: Autosomal recessive inheritance. Not counted in ClinVar's aggregate classification.
Comment: Likely benign based on allele frequency in 1000 Genomes Project or ESP global frequency and its presence in a patient with a rare or unrelated disease phenotype. NOT Sanger confirmed.

Joint Genome Diagnostic Labs from Nijmegen and Maastricht, Radboudumc and MUMC+
Classification: Benign. Review status: no assertion criteria provided. Collection method: clinical testing. Allele origin: germline. Affected: yes. Study: VKGL Data-share Consensus. Not counted in ClinVar's aggregate classification.